The following is an entry in ClinVar:

ClinVar aggregate classification (germline): Uncertain significance (1 of 4 stars; one submission).

Allele frequency attached by ClinVar (database versions not stated): gnomAD exomes below 0.00001; gnomAD 0.00001; TOPMed 0.00001.
gnomAD v4.1: 9 of 1,564,204 alleles (0.00058%); highest among the groups gnomAD compares: African/African-American, 0.0014%; no homozygotes.

Submission:

Labcorp Genetics (formerly Invitae), Labcorp
Classification: Uncertain significance. Last evaluated: 2023-12-31. Review status: criteria provided, single submitter. Criteria: Invitae Variant Classification Sherloc (09022015). Collection method: clinical testing. Allele origin: germline.
Comment: This sequence change replaces arginine, which is basic and polar, with threonine, which is neutral and polar, at codon 147 of the DNA2 protein (p.Arg147Thr). This variant is not present in population databases (gnomAD no frequency). This variant has not been reported in the literature in individuals affected with DNA2-related conditions. Experimental studies and prediction algorithms are not available or were not evaluated, and the functional significance of this variant is currently unknown. In summary, the available evidence is currently insufficient to determine the role of this variant in disease. Therefore, it has been classified as a Variant of Uncertain Significance.

NM_001080449.3(DNA2):c.440G>C (p.Arg147Thr)

Gene: DNA2 (DNA replication helicase/nuclease 2; minus strand). Cytogenetic location: 10q21.3.
Variant type: single nucleotide variant.
Coding change: c.440G>C on transcript NM_001080449.3 (MANE Select); coding-DNA position 440, G replaced by C.
Protein change: p.Arg147Thr; replaces arginine 147 with threonine.
Molecular consequence: missense variant. On other transcripts: non-coding transcript variant (1).
Genome position (GRCh38, 1-based): chr10:68,468,124, C>G on the plus strand (G>C on the coding strand, the complement: DNA2 is on the minus strand). VCF-style: chr10-68468124-C-G. GRCh37 (hg19) VCF-style: chr10-70227881-C-G.
Other names: short protein forms R147T.
Identifiers: ClinVar variation 3005095 (VCV003005095.3), dbSNP rs2052347569, ClinGen allele CA376829628.